The following is an entry in ClinVar:

NM_000275.3(OCA2):c.941T>G (p.Val314Gly)

Gene: OCA2 (OCA2 melanosomal transmembrane protein; minus strand). Cytogenetic location: 15q13.1.
Variant type: single nucleotide variant.
Coding change: c.941T>G on transcript NM_000275.3 (MANE Select); coding-DNA position 941, T replaced by G.
Protein change: p.Val314Gly; replaces valine 314 with glycine.
Molecular consequence: missense variant.
Genome position (GRCh38, 1-based): chr15:28,014,879, A>C on the plus strand (T>G on the coding strand, the complement: OCA2 is on the minus strand). VCF-style: chr15-28014879-A-C. GRCh37 (hg19) VCF-style: chr15-28260025-A-C.
Other names: c.941T>G, p.Val314Gly (NM_001300984.2); short protein forms V314G.
Identifiers: ClinVar variation 1187746 (VCV001187746.15), dbSNP rs762262964, ClinGen allele CA7439288.
Genomic context (GRCh38, chr15:28,014,879, plus strand): 5'-GCGATGGTCACCTGGGTTTCTACACTTCCGCGGAGGTACTGATGAGCCATCAAAAGAGGG[A>C]CAGCCTGGGTCTGCTGCAGGGAGGCCCGGATGCTGATGGACACCGTCTCTCTGCAGAACG-3'
Protein context (NP_000266.2, residues 304-324): IRASLQQTQA[Val314Gly]PLLMAHQYLR

ClinVar aggregate classification (germline): Pathogenic/Likely pathogenic. Review status: criteria provided, multiple submitters, no conflicts (2 of 4 stars). 4 submissions from 4 submitters: Pathogenic (1); Likely pathogenic (3). Last evaluated 2025-07-16.

Conditions:
OCA2-related disorder. Also called: OCA2-related condition.
Tyrosinase-positive oculocutaneous albinism (OCA2). Also called: Albinism, oculocutaneous, type II; ALBINISM II; Oculocutaneous albinism type 2. Identifiers: Orphanet 79432, MedGen C0268495, MONDO:0008746, OMIM 203200.
SKIN/HAIR/EYE PIGMENTATION 1, BLUE/NONBLUE EYES (SHEP1). Also called: EYE COLOR 3; EYE COLOR, BLUE/NONBLUE; EYE COLOR, BROWN/BLUE; HAIR COLOR 3; SKIN/HAIR/EYE PIGMENTATION 1, BLOND/BROWN HAIR; SKIN/HAIR/EYE PIGMENTATION 1, BLUE/BROWN EYES. Identifiers: MedGen C1856895, OMIM 227220.

Allele frequency attached by ClinVar (database versions not stated): gnomAD exomes 0.00001; ExAC 0.00002; gnomAD 0.00004; TOPMed 0.00006.
gnomAD v4.1: 10 of 1,614,020 alleles (0.00062%); highest among the groups gnomAD compares: African/African-American, 0.013%; no homozygotes.

Submissions (4):

Labcorp Genetics (formerly Invitae), Labcorp
Classification: Pathogenic. Last evaluated: 2025-07-16. Review status: criteria provided, single submitter. Criteria: Invitae Variant Classification Sherloc (09022015). Collection method: clinical testing. Allele origin: germline.
Comment: This sequence change replaces valine, which is neutral and non-polar, with glycine, which is neutral and non-polar, at codon 314 of the OCA2 protein (p.Val314Gly). This variant is present in population databases (rs762262964, gnomAD 0.01%). This missense change has been observed in individual(s) with ocular albinism (internal data). In at least one individual the data is consistent with being in trans (on the opposite chromosome) from a pathogenic variant. It has also been observed to segregate with disease in related individuals. ClinVar contains an entry for this variant (Variation ID: 1187746). Invitae Evidence Modeling of protein sequence and biophysical properties (such as structural, functional, and spatial information, amino acid conservation, physicochemical variation, residue mobility, and thermodynamic stability) indicates that this missense variant is not expected to disrupt OCA2 protein function with a negative predictive value of 80%. For these reasons, this variant has been classified as Pathogenic.

GeneDx
Classification: Likely pathogenic. Last evaluated: 2024-06-20. Review status: criteria provided, single submitter. Criteria: GeneDx Variant Classification Process June 2021. Collection method: clinical testing. Allele origin: germline. Affected: yes.
Comment: In silico analysis supports a deleterious effect on protein structure/function; Has not been previously published as pathogenic or benign to our knowledge

Fulgent Genetics
Classification: Likely pathogenic for Tyrosinase-positive oculocutaneous albinism; SKIN/HAIR/EYE PIGMENTATION 1, BLUE/NONBLUE EYES. Last evaluated: 2024-03-15. Review status: criteria provided, single submitter. Criteria: ACMG Guidelines, 2015. Collection method: clinical testing. Allele origin: germline.

Blueprint Genetics
Classification: Likely pathogenic for OCA2-related disorders. Last evaluated: 2019-12-12. Review status: criteria provided, single submitter. Criteria: ACMG Guidelines, 2015. Collection method: clinical testing. Allele origin: germline. Affected: yes. Observed: 3 variant alleles.